The following is an entry in ClinVar:

ClinVar aggregate classification (germline): Uncertain significance. Review status: criteria provided, multiple submitters, no conflicts (2 of 4 stars). 2 submissions from 2 submitters: Uncertain significance (2). Last evaluated 2020-05-06.

Conditions:
Juvenile polyposis syndrome (JPS). Identifiers: Orphanet 2929, MedGen C0345893, MONDO:0017380, OMIM 174900.
Hereditary cancer-predisposing syndrome. Also called: Hereditary Cancer Syndrome; Neoplastic Syndromes, Hereditary; Hereditary neoplastic syndrome; Tumor predisposition. Identifiers: Orphanet 140162, MedGen C0027672, MeSH D009386, MONDO:0015356.

Submissions (2):

Labcorp Genetics (formerly Invitae), Labcorp
Classification: Uncertain significance for Juvenile polyposis syndrome. Last evaluated: 2020-05-06. Review status: criteria provided, single submitter. Criteria: Invitae Variant Classification Sherloc (09022015). Collection method: clinical testing. Allele origin: germline.
Comment: In summary, the available evidence is currently insufficient to determine the role of this variant in disease. Therefore, it has been classified as a Variant of Uncertain Significance. Algorithms developed to predict the effect of missense changes on protein structure and function (SIFT, PolyPhen-2, Align-GVGD) all suggest that this variant is likely to be tolerated, but these predictions have not been confirmed by published functional studies and their clinical significance is uncertain. This variant has not been reported in the literature in individuals with BMPR1A-related conditions. ClinVar contains an entry for this variant (Variation ID: 818547). This variant is not present in population databases (ExAC no frequency). This sequence change replaces aspartic acid with histidine at codon 40 of the BMPR1A protein (p.Asp40His). The aspartic acid residue is moderately conserved and there is a moderate physicochemical difference between aspartic acid and histidine.

Ambry Genetics
Classification: Uncertain significance for Hereditary cancer-predisposing syndrome. Last evaluated: 2019-10-25. Review status: criteria provided, single submitter. Criteria: Ambry Variant Classification Scheme 2023. Collection method: clinical testing. Allele origin: germline.
Comment: The p.D40H variant (also known as c.118G>C), located in coding exon 2 of the BMPR1A gene, results from a G to C substitution at nucleotide position 118. The aspartic acid at codon 40 is replaced by histidine, an amino acid with similar properties. This amino acid position is not well conserved in available vertebrate species. In addition, this alteration is predicted to be tolerated by in silico analysis. Since supporting evidence is limited at this time, the clinical significance of this alteration remains unclear.

NM_004329.3(BMPR1A):c.118G>C (p.Asp40His)

Gene: BMPR1A (bone morphogenetic protein receptor type 1A; plus strand). Cytogenetic location: 10q23.2.
Variant type: single nucleotide variant.
Coding change: c.118G>C on transcript NM_004329.3 (MANE Select); coding-DNA position 118, G replaced by C.
Protein change: p.Asp40His; replaces aspartic acid 40 with histidine.
Molecular consequence: missense variant.
Genome position (GRCh38, 1-based): chr10:86,890,112, G>C. VCF-style: chr10-86890112-G-C. GRCh37 (hg19) VCF-style: chr10-88649869-G-C.
Other names: short protein forms D40H.
Identifiers: ClinVar variation 818547 (VCV000818547.13), dbSNP rs587781556, ClinGen allele CA377446492.